The following is an entry in ClinVar:

NM_000051.4(ATM):c.1715T>C (p.Leu572Ser)

Gene: ATM (ATM serine/threonine kinase; plus strand). Cytogenetic location: 11q22.3.
Variant type: single nucleotide variant.
Coding change: c.1715T>C on transcript NM_000051.4 (MANE Select); coding-DNA position 1715, T replaced by C.
Protein change: p.Leu572Ser; replaces leucine 572 with serine.
Molecular consequence: missense variant.
Genome position (GRCh38, 1-based): chr11:108,251,944, T>C. VCF-style: chr11-108251944-T-C. GRCh37 (hg19) VCF-style: chr11-108122671-T-C.
Other names: c.1715T>C, p.Leu572Ser (NM_001351834.2); short protein forms L572S.
Identifiers: ClinVar variation 4618317 (VCV004618317.1).
Genomic context (GRCh38, chr11:108,251,944, plus strand): 5'-CAGGAACGGTAAAAATGGGAATAGAGCAAAATATGTGTGAAGTAAATAGAAGCTTTTCTT[T>C]AAAGGAATCAATAATGAAATGGCTCTTATTCTATCAGTTAGAGGGTGACTTAGAAAATAG-3'
Protein context (NP_000042.3, residues 562-582): NMCEVNRSFS[Leu572Ser]KESIMKWLLF

ClinVar aggregate classification (germline): Uncertain significance (1 of 4 stars; one submission).

Conditions:
Hereditary cancer-predisposing syndrome. Also called: Neoplastic Syndromes, Hereditary; Tumor predisposition; Hereditary Cancer Syndrome; Hereditary neoplastic syndrome. Identifiers: Orphanet 140162, MedGen C0027672, MeSH D009386, MONDO:0015356.

Submission:

Ambry Genetics
Classification: Uncertain significance for Hereditary cancer-predisposing syndrome. Last evaluated: 2025-11-10. Review status: criteria provided, single submitter. Criteria: Ambry Variant Classification Scheme 2023. Collection method: clinical testing. Allele origin: germline.
Comment: The p.L572S variant (also known as c.1715T>C), located in coding exon 10 of the ATM gene, results from a T to C substitution at nucleotide position 1715. The leucine at codon 572 is replaced by serine, an amino acid with dissimilar properties. This amino acid position is conserved. In addition, the in silico prediction for this alteration is inconclusive. Based on the available evidence, the clinical significance of this variant remains unclear.